The following is an entry in ClinVar:

NM_001999.4(FBN2):c.1351_1356del (p.Tyr451_Gly452del)

Gene: FBN2 (fibrillin 2; minus strand). Cytogenetic location: 5q23.3.
Variant type: Deletion.
Coding change: c.1351_1356del on transcript NM_001999.4 (MANE Select); coding-DNA positions 1351 to 1356, 6 bases deleted (TATGGC; older notation c.1351_1356delTATGGC).
Protein change: p.Tyr451_Gly452del.
Molecular consequence: inframe deletion.
Genome position (GRCh38, 1-based): chr5:128,393,244-128,393,249, GCCATA deleted on the plus strand (TATGGC on the coding strand, the reverse complement: FBN2 is on the minus strand); deleting any 6 consecutive bases within chr5:128,393,244-128,393,254 gives the same sequence; the c. name uses the placement nearest the transcript's 3' end. VCF-style (leftmost placement, unchanged base first): chr5-128393243-GGCCATA-G. GRCh37 (hg19) VCF-style: chr5-127728936-GGCCATA-G.
Identifiers: ClinVar variation 180363 (VCV000180363.6), dbSNP rs730880109, ClinGen allele CA346351.

ClinVar aggregate classification (germline): Uncertain significance. Review status: criteria provided, multiple submitters, no conflicts (2 of 4 stars). 3 submissions from 3 submitters: Uncertain significance (3). Last evaluated 2025-12-17.

Conditions:
Familial thoracic aortic aneurysm and aortic dissection (TAAD). Also called: Thoracic aortic aneurysms and dissections. Identifiers: Orphanet 91387, MedGen C4707243, MONDO:0019625.
Congenital contractural arachnodactyly (CCA). Also called: BEALS SYNDROME; Arthrogryposis, distal, type 9; Beals-Hecht syndrome. Identifiers: Orphanet 115, MedGen C0220668, MONDO:0007363, OMIM 121050.

Submissions (3):

Labcorp Genetics (formerly Invitae), Labcorp
Classification: Uncertain significance for Congenital contractural arachnodactyly. Last evaluated: 2025-12-17. Review status: criteria provided, single submitter. Criteria: Invitae Variant Classification Sherloc (09022015). Collection method: clinical testing. Allele origin: germline.
Comment: This variant, c.1351_1356del, results in the deletion of 2 amino acid(s) of the FBN2 protein (p.Tyr451_Gly452del), but otherwise preserves the integrity of the reading frame. This variant is present in population databases (rs730880109, gnomAD 0.002%). This variant has not been reported in the literature in individuals affected with FBN2-related conditions. ClinVar contains an entry for this variant (Variation ID: 180363). Experimental studies and prediction algorithms are not available or were not evaluated, and the functional significance of this variant is currently unknown. In summary, the available evidence is currently insufficient to determine the role of this variant in disease. Therefore, it has been classified as a Variant of Uncertain Significance.

Ambry Genetics
Classification: Uncertain significance for Familial thoracic aortic aneurysm and aortic dissection. Last evaluated: 2024-07-12. Review status: criteria provided, single submitter. Criteria: Ambry Variant Classification Scheme 2023. Collection method: clinical testing. Allele origin: germline.
Comment: The c.1351_1356delTATGGC variant (also known as p.Y451_G452del) is located in coding exon 10 of the FBN2 gene. This variant results from an in-frame TATGGC deletion at nucleotide positions 1351 to 1356. This results in the in-frame deletion of two amino acids (Y and G) at codons 451 and 452. This amino acid region is well conserved in available vertebrate species. In addition, the in silico prediction for this alteration is inconclusive (Choi Y et al. PLoS ONE. 2012; 7(10):e46688). Based on the available evidence, the clinical significance of this variant remains unclear.

Clinical Genetics Laboratory, Skane University Hospital Lund
Classification: Uncertain significance. Last evaluated: 2022-05-27. Review status: criteria provided, single submitter. Criteria: ACMG Guidelines, 2015. Collection method: clinical testing. Allele origin: germline. Affected: yes.